The following is an entry in ClinVar:

ClinVar aggregate classification (germline): Uncertain significance. Review status: criteria provided, multiple submitters, no conflicts (2 of 4 stars). 2 submissions from 2 submitters: Uncertain significance (2). Last evaluated 2024-06-03.

Conditions:
Bethlem myopathy 1A. Also called: MYOPATHY, BENIGN CONGENITAL, WITH CONTRACTURES; Bethlem Muscular Dystrophy; Bethlem myopathy 1. Identifiers: Orphanet 610, MedGen CN029274, MONDO:0024530, OMIM 158810.
COL6A3-related disorder. Also called: COL6A3-related disorders; COL6A3-related condition.

Submissions (2):

Labcorp Genetics (formerly Invitae), Labcorp
Classification: Uncertain significance for Bethlem myopathy 1A. Last evaluated: 2024-06-03. Review status: criteria provided, single submitter. Criteria: Invitae Variant Classification Sherloc (09022015). Collection method: clinical testing. Allele origin: germline.
Comment: This sequence change replaces alanine, which is neutral and non-polar, with serine, which is neutral and polar, at codon 2257 of the COL6A3 protein (p.Ala2257Ser). This variant is not present in population databases (gnomAD no frequency). This variant has not been reported in the literature in individuals affected with COL6A3-related conditions. ClinVar contains an entry for this variant (Variation ID: 2631076). Advanced modeling of protein sequence and biophysical properties (such as structural, functional, and spatial information, amino acid conservation, physicochemical variation, residue mobility, and thermodynamic stability) performed at Invitae indicates that this missense variant is not expected to disrupt COL6A3 protein function with a negative predictive value of 80%. In summary, the available evidence is currently insufficient to determine the role of this variant in disease. Therefore, it has been classified as a Variant of Uncertain Significance.

PreventionGenetics, part of Exact Sciences
Classification: Uncertain significance for COL6A3-related condition. Last evaluated: 2023-09-06. Review status: criteria provided, single submitter. Criteria: ACMG Guidelines, 2015. Collection method: clinical testing. Allele origin: germline.
Comment: The COL6A3 c.6769G>T variant is predicted to result in the amino acid substitution p.Ala2257Ser. To our knowledge, this variant has not been reported in the literature or in a large population database, indicating this variant is rare. At this time, the clinical significance of this variant is uncertain due to the absence of conclusive functional and genetic evidence.

NM_004369.4(COL6A3):c.6769G>T (p.Ala2257Ser)

Gene: COL6A3 (collagen type VI alpha 3 chain; minus strand). Cytogenetic location: 2q37.3.
Variant type: single nucleotide variant.
Coding change: c.6769G>T on transcript NM_004369.4 (MANE Select); coding-DNA position 6769, G replaced by T.
Protein change: p.Ala2257Ser; replaces alanine 2257 with serine.
Molecular consequence: missense variant.
Genome position (GRCh38, 1-based): chr2:237,351,177, C>A on the plus strand (G>T on the coding strand, the complement: COL6A3 is on the minus strand). VCF-style: chr2-237351177-C-A. GRCh37 (hg19) VCF-style: chr2-238259820-C-A.
Other names: c.4948G>T, p.Ala1650Ser (NM_057166.5); c.6151G>T, p.Ala2051Ser (NM_057167.4); short protein forms A1650S, A2051S, A2257S.
Identifiers: ClinVar variation 2631076 (VCV002631076.3), dbSNP rs372154635, ClinGen allele CA351210859.